The following is an entry in ClinVar:

NM_004655.4(AXIN2):c.2198G>A (p.Gly733Glu)

Gene: AXIN2 (axin 2; minus strand). Cytogenetic location: 17q24.1.
Variant type: single nucleotide variant.
Coding change: c.2198G>A on transcript NM_004655.4 (MANE Select); coding-DNA position 2198, G replaced by A.
Protein change: p.Gly733Glu; replaces glycine 733 with glutamic acid.
Molecular consequence: missense variant.
Genome position (GRCh38, 1-based): chr17:65,535,665, C>T on the plus strand (G>A on the coding strand, the complement: AXIN2 is on the minus strand). VCF-style: chr17-65535665-C-T. GRCh37 (hg19) VCF-style: chr17-63531783-C-T.
Other names: c.2003G>A, p.Gly668Glu (NM_001363813.1); short protein forms G668E, G733E.
Identifiers: ClinVar variation 2744675 (VCV002744675.4), dbSNP rs2509396990, ClinGen allele CA400675769.

ClinVar aggregate classification (germline): Uncertain significance. Review status: criteria provided, multiple submitters, no conflicts (2 of 4 stars). 2 submissions from 2 submitters: Uncertain significance (2). Last evaluated 2025-11-30.

Conditions:
Hereditary cancer-predisposing syndrome. Also called: Hereditary Cancer Syndrome; Neoplastic Syndromes, Hereditary; Tumor predisposition; Hereditary neoplastic syndrome. Identifiers: Orphanet 140162, MedGen C0027672, MeSH D009386, MONDO:0015356.
Oligodontia-cancer predisposition syndrome. Also called: TOOTH AGENESIS-COLORECTAL CANCER SYNDROME. Identifiers: Orphanet 300576, MedGen C1837750, MONDO:0012075, OMIM 608615. Disease mechanism: loss of function.

Submissions (2):

Labcorp Genetics (formerly Invitae), Labcorp
Classification: Uncertain significance for Oligodontia-cancer predisposition syndrome. Last evaluated: 2025-11-30. Review status: criteria provided, single submitter. Criteria: Invitae Variant Classification Sherloc (09022015). Collection method: clinical testing. Allele origin: germline.
Comment: This sequence change replaces glycine, which is neutral and non-polar, with glutamic acid, which is acidic and polar, at codon 733 of the AXIN2 protein (p.Gly733Glu). This variant is not present in population databases (gnomAD no frequency). This variant has not been reported in the literature in individuals affected with AXIN2-related conditions. ClinVar contains an entry for this variant (Variation ID: 2744675). An algorithm developed to predict the effect of missense changes on protein structure and function (PolyPhen-2) suggests that this variant is likely to be tolerated. In summary, the available evidence is currently insufficient to determine the role of this variant in disease. Therefore, it has been classified as a Variant of Uncertain Significance.

Ambry Genetics
Classification: Uncertain significance for Hereditary cancer-predisposing syndrome. Last evaluated: 2024-02-25. Review status: criteria provided, single submitter. Criteria: Ambry Variant Classification Scheme 2023. Collection method: clinical testing. Allele origin: germline.
Comment: The p.G733E variant (also known as c.2198G>A), located in coding exon 8 of the AXIN2 gene, results from a G to A substitution at nucleotide position 2198. The glycine at codon 733 is replaced by glutamic acid, an amino acid with similar properties. This amino acid position is conserved. In addition, the in silico prediction for this alteration is inconclusive. Based on the available evidence, the clinical significance of this alteration remains unclear.